The following is an entry in ClinVar:

NM_001372044.2(SHANK3):c.4213C>T (p.Pro1405Ser)

Gene: SHANK3 (SH3 and multiple ankyrin repeat domains 3; plus strand). Cytogenetic location: 22q13.33.
Variant type: single nucleotide variant.
Coding change: c.4213C>T on transcript NM_001372044.2 (MANE Select); coding-DNA position 4213, C replaced by T.
Protein change: p.Pro1405Ser; replaces proline 1405 with serine.
Molecular consequence: missense variant.
Genome position (GRCh38, 1-based): chr22:50,721,821, C>T. VCF-style: chr22-50721821-C-T. GRCh37 (hg19) VCF-style: chr22-51160249-C-T.
Other names: c.3988C>T (NM_033517.1); short protein forms P1405S.
Identifiers: ClinVar variation 3383840 (VCV003383840.1).

ClinVar aggregate classification (germline): Uncertain significance (1 of 4 stars; one submission).

Submission:

GeneDx
Classification: Uncertain significance. Last evaluated: 2024-05-30. Review status: criteria provided, single submitter. Criteria: GeneDx Variant Classification Process June 2021. Collection method: clinical testing. Allele origin: germline. Affected: yes.
Comment: Not observed at significant frequency in large population cohorts (gnomAD); In silico analysis indicates that this missense variant does not alter protein structure/function; Has not been previously published as pathogenic or benign to our knowledge